The following is an entry in ClinVar:

NM_001999.4(FBN2):c.3730G>A (p.Asp1244Asn)

Gene: FBN2 (fibrillin 2; minus strand). Cytogenetic location: 5q23.3.
Variant type: single nucleotide variant.
Coding change: c.3730G>A on transcript NM_001999.4 (MANE Select); coding-DNA position 3730, G replaced by A.
Protein change: p.Asp1244Asn; replaces aspartic acid 1244 with asparagine.
Molecular consequence: missense variant.
Genome position (GRCh38, 1-based): chr5:128,335,572, C>T on the plus strand (G>A on the coding strand, the complement: FBN2 is on the minus strand). VCF-style: chr5-128335572-C-T. GRCh37 (hg19) VCF-style: chr5-127671264-C-T.
Other names: short protein forms D1244N.
Identifiers: ClinVar variation 4854607 (VCV004854607.1).

ClinVar aggregate classification (germline): Uncertain significance (1 of 4 stars; one submission).

Conditions:
Congenital contractural arachnodactyly (CCA). Also called: BEALS SYNDROME; Arthrogryposis, distal, type 9; Beals-Hecht syndrome. Identifiers: Orphanet 115, MedGen C0220668, MONDO:0007363, OMIM 121050.

Submission:

3billion
Classification: Uncertain significance for Congenital contractural arachnodactyly. Last evaluated: 2025-07-29. Review status: criteria provided, single submitter. Criteria: ACMG Guidelines, 2015. Collection method: clinical testing. Allele origin: germline. Affected: yes.
Comment: The variant is not observed in the gnomAD v4.1.0 dataset. Predicted Consequence/Location: The variant is located in a mutational hot spot and/or well-established functional domain in which established pathogenic variants have been reported (PMID: 35360850, 17345643). Damaging effect on gene or gene product predicted by in silico programs is uncertain [REVEL: 0.46 (damaging >=0.6, benign <0.4), 3Cnet: 0.49 (damaging >0.75, benign <0.1)]. Therefore, this variant is classified as VUS according to the recommendation of ACMG/AMP guideline.